The following is an entry in ClinVar:

ClinVar aggregate classification (germline): Conflicting classifications of pathogenicity. Review status: criteria provided, conflicting classifications (1 of 4 stars). 5 submissions from 5 submitters: Likely pathogenic (1); Uncertain significance (4). Last evaluated 2025-07-17.

Conditions:
Galactosylceramide beta-galactosidase deficiency. Also called: GALACTOCEREBROSIDASE DEFICIENCY; GALC DEFICIENCY; GLOBOID CELL LEUKOENCEPHALOPATHY; Krabbe Disease; Leukodystrophy, Globoid Cell. Identifiers: Orphanet 487, MedGen C0023521, MONDO:0009499, OMIM 245200.

Allele frequency attached by ClinVar (database versions not stated): gnomAD 0.00001; gnomAD exomes 0.00002 and 0.00007; ExAC 0.00005; TOPMed 0.00006.
gnomAD v4.1: 24 of 1,600,716 alleles (0.0015%); highest among the groups gnomAD compares: East Asian, 0.054%; no homozygotes.

Submissions (5):

Natera, Inc.
Classification: Likely pathogenic for Galactosylceramide beta-galactosidase deficiency. Last evaluated: 2025-07-17. Review status: criteria provided, single submitter. Criteria: Natera Variant Classification Schema (03/2026). Collection method: clinical testing. Allele origin: germline.
Comment: The c.1912G>A variant in GALC is a missense variant predicted to cause substitution of glycine to serine at amino acid 638. This variant is rare in the general population with a frequency below the threshold expected for the associated phenotype(s). This variant has been observed in one or more individuals affected with the associated recessive disease, as either homozygous or compound heterozygous with a second variant (PMID: 38515343, 31350907, 23197103). Given the available evidence, this variant is classified as Likely Pathogenic.

Women's Health and Genetics/Laboratory Corporation of America, LabCorp
Classification: Uncertain significance. Last evaluated: 2022-09-14. Review status: criteria provided, single submitter. Criteria: LabCorp Variant Classification Summary - May 2015. Collection method: clinical testing. Allele origin: germline.
Comment: Variant summary: GALC c.1912G>A (p.Gly638Ser) results in a non-conservative amino acid change in the encoded protein sequence. Three of five in-silico tools predict a damaging effect of the variant on protein function. 4/4 computational tools predict no significant impact on normal splicing. However, these predictions have yet to be confirmed by functional studies. The variant allele was found at a frequency of 6.9e-05 in 246188 control chromosomes, predominantly at a frequency of 0.00095 within the East Asian subpopulation in the gnomAD database. This frequency is not significantly higher than expected for a pathogenic variant in GALC causing Krabbe Disease (6.9e-05 vs 0.0022), allowing no conclusion about variant significance. c.1912G>A has been reported in the literature in individuals affected with Krabbe Disease. These data indicate that the variant may be associated with disease. One clinical diagnostic laboratory has submitted clinical-significance assessments for this variant to ClinVar after 2014 without evidence for independent evaluation and classified the variant as uncertain significance. Based on the evidence outlined above, the variant was classified as VUS-possibly pathogenic.

Labcorp Genetics (formerly Invitae), Labcorp
Classification: Uncertain significance for Galactosylceramide beta-galactosidase deficiency. Last evaluated: 2022-03-10. Review status: criteria provided, single submitter. Criteria: Invitae Variant Classification Sherloc (09022015). Collection method: clinical testing. Allele origin: germline.
Comment: This sequence change replaces glycine, which is neutral and non-polar, with serine, which is neutral and polar, at codon 638 of the GALC protein (p.Gly638Ser). This variant is present in population databases (rs769851272, gnomAD 0.09%). This missense change has been observed in individual(s) with Krabbe disease (PMID: 23197103). In at least one individual the data is consistent with being in trans (on the opposite chromosome) from a pathogenic variant. This variant is also known as c.1865G>A, p.Gly622Ser. ClinVar contains an entry for this variant (Variation ID: 194698). Algorithms developed to predict the effect of missense changes on protein structure and function are either unavailable or do not agree on the potential impact of this missense change (SIFT: "Deleterious"; PolyPhen-2: "Possibly Damaging"; Align-GVGD: "Class C0"). Algorithms developed to predict the effect of sequence changes on RNA splicing suggest that this variant may disrupt the consensus splice site. This variant disrupts the p.Gly638 amino acid residue in GALC. Other variant(s) that disrupt this residue have been determined to be pathogenic (PMID: 22115770). This suggests that this residue is clinically significant, and that variants that disrupt this residue are likely to be disease-causing. In summary, the available evidence is currently insufficient to determine the role of this variant in disease. Therefore, it has been classified as a Variant of Uncertain Significance.

Eurofins Ntd Llc (ga)
Classification: Uncertain significance. Last evaluated: 2014-11-19. Review status: criteria provided, single submitter. Criteria: EGL Classification Definitions 2015. Collection method: clinical testing. Allele origin: germline. Observed: 1 variant allele, 1 heterozygote.

Juno Genomics, Hangzhou Juno Genomics, Inc
Classification: Uncertain significance for Galactosylceramide beta-galactosidase deficiency. Review status: criteria provided, single submitter. Criteria: ACMG Guidelines, 2015. Collection method: clinical testing. Allele origin: germline.
Comment: Absent from controls (or at extremely low frequency if recessive) in Genome Aggregation Database.;Multiple lines of computational evidence support a deleterious effect on the gene or gene product.

Literature cited by the submitters: PubMed 38515343 (cited by Natera, Inc.); PubMed 31350907 (cited by Natera, Inc. and Women's Health and Genetics/Laboratory Corporation of America, LabCorp); PubMed 23197103 (cited by 4 submitters); PubMed 22115770 (cited by Labcorp Genetics (formerly Invitae), Labcorp).

NM_000153.4(GALC):c.1912G>A (p.Gly638Ser)

Gene: GALC (galactosylceramidase; minus strand). Cytogenetic location: 14q31.3.
Variant type: single nucleotide variant.
Coding change: c.1912G>A on transcript NM_000153.4 (MANE Select); coding-DNA position 1912, G replaced by A.
Protein change: p.Gly638Ser; replaces glycine 638 with serine.
Molecular consequence: missense variant.
Genome position (GRCh38, 1-based): chr14:87,934,878, C>T on the plus strand (G>A on the coding strand, the complement: GALC is on the minus strand). VCF-style: chr14-87934878-C-T. GRCh37 (hg19) VCF-style: chr14-88401222-C-T.
Other names: c.1843G>A, p.Gly615Ser (NM_001201401.2); c.1834G>A, p.Gly612Ser (NM_001201402.2); short protein forms G638S, G615S, G612S.
Identifiers: ClinVar variation 194698 (VCV000194698.12), dbSNP rs769851272, ClinGen allele CA240815.
Genomic context (GRCh38, chr14:87,934,878, plus strand): 5'-AATTCACAGGGATGTCTGTCCACAGAGACTTGTCATTCAGCATGCCAGAGGTGAAATGAC[C>T]CTAGAGTAGAAAGAAACACATTCCTTGAAACCATATGAAAATGGTCCTCTGAAGTCTGTT-3'
Protein context (NP_000144.2, residues 628-648): KWYTLTLTIK[Gly638Ser]HFTSGMLNDK